The following is an entry in ClinVar:

ClinVar aggregate classification (germline): Pathogenic/Likely pathogenic. Review status: criteria provided, multiple submitters, no conflicts (2 of 4 stars). 3 submissions from 3 submitters: Pathogenic (2); Likely pathogenic (1). Last evaluated 2025-09-08.

Conditions:
Ehlers-Danlos syndrome, kyphoscoliotic type, 2. Also called: FKBP14-Kyphoscoliotic Ehlers-Danlos Syndrome; Ehlers-Danlos syndrome with progressive kyphoscoliosis, myopathy, and hearing loss; Ehlers-Danlos syndrome, kyphoscoliotic and deafness type. Identifiers: Orphanet 300179, MedGen C3281160, MONDO:0013800, OMIM 614557.

Allele frequency attached by ClinVar (database versions not stated): gnomAD 0.00001; gnomAD exomes 0.00001; TOPMed 0.00002.
gnomAD v4.1: 5 of 1,603,034 alleles (0.00031%); highest among the groups gnomAD compares: Admixed American, 0.0087%; no homozygotes.

Submissions (3):

Labcorp Genetics (formerly Invitae), Labcorp
Classification: Pathogenic for Ehlers-Danlos syndrome, kyphoscoliotic type, 2. Last evaluated: 2025-09-08. Review status: criteria provided, single submitter. Criteria: Invitae Variant Classification Sherloc (09022015). Collection method: clinical testing. Allele origin: germline.
Comment: This sequence change creates a premature translational stop signal (p.Ser143*) in the FKBP14 gene. It is expected to result in an absent or disrupted protein product. Loss-of-function variants in FKBP14 are known to be pathogenic (PMID: 22265013). This variant is present in population databases (rs753355121, gnomAD 0.01%). This variant has not been reported in the literature in individuals affected with FKBP14-related conditions. ClinVar contains an entry for this variant (Variation ID: 1898707). For these reasons, this variant has been classified as Pathogenic.

Baylor Genetics
Classification: Pathogenic for Ehlers-Danlos syndrome, kyphoscoliotic type, 2. Last evaluated: 2024-02-12. Review status: criteria provided, single submitter. Criteria: ACMG Guidelines, 2015. Collection method: clinical testing. Allele origin: unknown.

Broad Center for Mendelian Genomics, Broad Institute of MIT and Harvard
Classification: Likely pathogenic for Ehlers-Danlos syndrome, kyphoscoliotic type, 2. Last evaluated: 2023-01-25. Review status: criteria provided, single submitter. Criteria: ACMG Guidelines, 2015. Collection method: curation. Allele origin: germline. Inheritance: Autosomal recessive inheritance.
Comment: The p.Ser143Ter variant in FKBP14 has not been previously reported in individuals with Ehlers-Danlos syndrome kyphoscoliotic type 2 but has been identified in 0.01% (4/31642) of Latino/Admixed American chromosomes by the Genome Aggregation Consortium (gnomAD; dbSNP ID:rs753355121). Although this variant has been seen in the general population in a heterozygous state, its frequency is low enough to be consistent with a recessive carrier frequency. This nonsense variant leads to a premature termination codon at position 143. This alteration occurs within the terminal 50 bases of the second to last exon and is more likely to escape nonsense mediated decay (NMD) and result in a truncated protein. Loss of function of the FKBP14 gene is an established disease mechanism in autosomal recessive Ehlers-Danlos syndrome kyphoscoliotic type 2. In summary, although additional studies are required to fully establish its clinical significance, this variant is likely pathogenic for autosomal recessive Ehlers-Danlos syndrome kyphoscoliotic type 2. ACMG/AMP Criteria applied: PVS1_Strong, PM2_Supporting, PM3_Supporting (Richards 2015).

Literature cited by the submitters: PubMed 22265013 (cited by Labcorp Genetics (formerly Invitae), Labcorp).

NM_017946.4(FKBP14):c.428C>G (p.Ser143Ter)

Genes: FKBP14 (FKBP prolyl isomerase 14; minus strand), FKBP14-AS1 (FKBP14 antisense RNA 1; plus strand). Cytogenetic location: 7p14.3.
Variant type: single nucleotide variant.
Coding change: c.428C>G on transcript NM_017946.4 (MANE Select); coding-DNA position 428, C replaced by G.
Protein change: p.Ser143Ter; replaces serine 143 with a stop codon.
Molecular consequence: nonsense. On other transcripts: non-coding transcript variant (2).
Genome position (GRCh38, 1-based): chr7:30,019,045, G>C on the plus strand (C>G on the coding strand, the complement: FKBP14 is on the minus strand). VCF-style: chr7-30019045-G-C. GRCh37 (hg19) VCF-style: chr7-30058661-G-C.
Other names: NR_046479.2:n.470C>G; short protein forms S143*.
Identifiers: ClinVar variation 1898707 (VCV001898707.6), dbSNP rs753355121, ClinGen allele CA4203412.